The following is an entry in ClinVar:

NM_004006.3(DMD):c.7449del (p.Asp2484fs)

Gene: DMD (dystrophin; minus strand). Cytogenetic location: Xp21.1.
Variant type: Deletion.
Coding change: c.7449del on transcript NM_004006.3 (MANE Select); coding-DNA position 7449, one base deleted (C; older notation c.7449delC).
Protein change: p.Asp2484fs; shifts the reading frame from aspartic acid 2484.
Molecular consequence: frameshift variant.
Genome position (GRCh38, 1-based): chrX:31,774,053, G deleted on the plus strand (C on the coding strand, the reverse complement: DMD is on the minus strand); the first of 2 consecutive G bases (chrX:31,774,053-31,774,054); deleting either gives the same sequence. VCF-style (leftmost placement, unchanged base first): chrX-31774052-CG-C. GRCh37 (hg19) VCF-style: chrX-31792169-CG-C.
Other names: c.7425del, p.Asp2476fs (NM_000109.4); c.7437del, p.Asp2480fs (NM_004009.3); c.7080del, p.Asp2361fs (NM_004010.3); c.3426del, p.Asp1143fs (NM_004011.4); c.3417del, p.Asp1140fs (NM_004012.4); c.69del, p.Asp24fs (NM_004013.3, NM_004020.4, NM_004021.3 and 2 more transcripts); short protein forms D1140fs, D1143fs, D2361fs, D2476fs, D2480fs, D2484fs, D24fs.
Identifiers: ClinVar variation 1073022 (VCV001073022.9), dbSNP rs2149244988, ClinGen allele CA2499226632.

ClinVar aggregate classification (germline): Pathogenic (1 of 4 stars; one submission).

Conditions:
Duchenne muscular dystrophy (DMD). Also called: MUSCULAR DYSTROPHY, PSEUDOHYPERTROPHIC PROGRESSIVE, DUCHENNE TYPE; Duchenne Muscular Dystrophy (DMD). Identifiers: Orphanet 98896, MedGen C0013264, MONDO:0010679, OMIM 310200.

Submission:

Labcorp Genetics (formerly Invitae), Labcorp
Classification: Pathogenic for Duchenne muscular dystrophy. Last evaluated: 2022-07-12. Review status: criteria provided, single submitter. Criteria: Invitae Variant Classification Sherloc (09022015). Collection method: clinical testing. Allele origin: germline.
Comment: For these reasons, this variant has been classified as Pathogenic. ClinVar contains an entry for this variant (Variation ID: 1073022). This premature translational stop signal has been observed in individual(s) with clinical features of DMD-related conditions (PMID: 10612827). This variant is not present in population databases (gnomAD no frequency). This sequence change creates a premature translational stop signal (p.Asp2484Thrfs*10) in the DMD gene. It is expected to result in an absent or disrupted protein product. Loss-of-function variants in DMD are known to be pathogenic (PMID: 16770791, 25007885).

Literature cited by the submitters: PubMed 10612827; PubMed 16770791; PubMed 25007885.